The following is an entry in ClinVar:

NM_004115.4(FGF14):c.261C>T (p.Pro87=)

Gene: FGF14 (fibroblast growth factor 14; minus strand). Cytogenetic location: 13q33.1.
Variant type: single nucleotide variant.
Coding change: c.261C>T on transcript NM_004115.4 (MANE Select); coding-DNA position 261, C replaced by T.
Protein change: p.Pro87=; no amino-acid change (proline 87 retained).
Molecular consequence: synonymous variant. On other transcripts: intron variant (1).
Genome position (GRCh38, 1-based): chr13:101,875,229, G>A on the plus strand (C>T on the coding strand, the complement: FGF14 is on the minus strand). VCF-style: chr13-101875229-G-A. GRCh37 (hg19) VCF-style: chr13-102527579-G-A.
Other names: c.9C>T, p.Pro3= (NM_001321931.1, NM_001321934.1, NM_001321935.1 and 4 more transcripts); c.72C>T, p.Pro24= (NM_001321932.1, NM_001321936.1, NM_001321944.1); c.81C>T, p.Pro27= (NM_001321933.1, NM_001321938.2, NM_001321940.1); c.276C>T, p.Pro92= (NM_001321937.2, NM_175929.3); c.75C>T, p.Pro25= (NM_001321941.2); c.159C>T, p.Pro53= (NM_001321945.2, NM_001321948.2, NM_001379342.1); c.120C>T, p.Pro40= (NM_001321947.2); c.209-6401C>T (NM_001321939.2).
Identifiers: ClinVar variation 882586 (VCV000882586.5), dbSNP rs757210660, ClinGen allele CA7037213.

ClinVar aggregate classification (germline): Benign/Likely benign. Review status: criteria provided, multiple submitters, no conflicts (2 of 4 stars). 2 submissions from 2 submitters: Benign (1); Likely benign (1). Last evaluated 2025-08-07.

Conditions:
Spinocerebellar ataxia type 27 (SCA27). Identifiers: Orphanet 98764, MedGen C1836383, MONDO:0012247.

Allele frequency attached by ClinVar (database versions not stated): gnomAD exomes 0.00004 and 0.00011; gnomAD 0.00005 and 0.00006; TOPMed 0.00008; ExAC 0.00013.
gnomAD v4.1: 74 of 1,613,416 alleles (0.0046%); highest among the groups gnomAD compares: East Asian, 0.096%; 1 homozygote.

Submissions (2):

Labcorp Genetics (formerly Invitae), Labcorp
Classification: Benign. Last evaluated: 2025-08-07. Review status: criteria provided, single submitter. Criteria: Invitae Variant Classification Sherloc (09022015). Collection method: clinical testing. Allele origin: germline.

Illumina Laboratory Services, Illumina
Classification: Likely benign for Spinocerebellar ataxia 27A. Last evaluated: 2018-01-12. Review status: criteria provided, single submitter. Criteria: ICSL Variant Classification Criteria 13 December 2019. Collection method: clinical testing. Allele origin: germline.
Comment: This variant was observed in the ICSL laboratory as part of a predisposition screen in an ostensibly healthy population. It had not been previously curated by ICSL or reported in the Human Gene Mutation Database (HGMD: prior to June 1st, 2018), and was therefore a candidate for classification through an automated scoring system. Utilizing variant allele frequency, disease prevalence and penetrance estimates, and inheritance mode, an automated score was calculated to assess if this variant is too frequent to cause the disease. Based on the score and internal cut-off values, a variant classified as likely benign is not then subjected to further curation. The score for this variant resulted in a classification of likely benign for this disease.